The following is an entry in ClinVar:

NM_006208.3(ENPP1):c.626C>T (p.Thr209Met)

Gene: ENPP1 (ectonucleotide pyrophosphatase/phosphodiesterase 1; plus strand). Cytogenetic location: 6q23.2.
Variant type: single nucleotide variant.
Coding change: c.626C>T on transcript NM_006208.3 (MANE Select); coding-DNA position 626, C replaced by T.
Protein change: p.Thr209Met; replaces threonine 209 with methionine.
Molecular consequence: missense variant.
Genome position (GRCh38, 1-based): chr6:131,854,934, C>T. VCF-style: chr6-131854934-C-T. GRCh37 (hg19) VCF-style: chr6-132176074-C-T.
Other names: short protein forms T209M.
Identifiers: ClinVar variation 953229 (VCV000953229.12), dbSNP rs187764662, ClinGen allele CA4001976.

ClinVar aggregate classification (germline): Uncertain significance. Review status: criteria provided, multiple submitters, no conflicts (2 of 4 stars). 2 submissions from 2 submitters: Uncertain significance (2). Last evaluated 2024-11-19.

Conditions:
Arterial calcification, generalized, of infancy, 1 (GACI1). Also called: Idiopathic Infantile Arterial Calcification. Identifiers: Orphanet 51608, MedGen C4551985, MONDO:0008817, OMIM 208000.
Type 2 diabetes mellitus. Also called: Type II diabetes mellitus. Identifiers: MedGen C0011860, MeSH D003924, MONDO:0005148, OMIM 125853, HP:0005978.
Inherited obesity. Also called: Monogenic Obesity. Identifiers: Orphanet 77828, MedGen C4054476, MONDO:0019182, OMIM 601665.
Hypophosphatemic rickets, autosomal recessive, 2 (ARHR2). Identifiers: Orphanet 289176, MedGen C2750078, MONDO:0013219, OMIM 613312.
Hypopigmentation-punctate palmoplantar keratoderma syndrome. Also called: GUTTATE HYPOPIGMENTATION AND PUNCTATE PALMOPLANTAR KERATODERMA WITH OR WITHOUT ECTOPIC CALCIFICATION; Cole disease. Identifiers: Orphanet 324561, MedGen C3809781, MONDO:0014227, OMIM 615522.

Allele frequency attached by ClinVar (database versions not stated): gnomAD exomes 0.00004 and 0.00007; gnomAD 0.00006 and 0.00007; ESP Exome Variant Server 0.00008; ExAC 0.00010; TOPMed 0.00011; 1000 Genomes Project 0.00040; 1000 Genomes Project 30x 0.00062.
gnomAD v4.1: 61 of 1,612,068 alleles (0.0038%); highest among the groups gnomAD compares: African/African-American, 0.021%; no homozygotes.

Submissions (2):

Labcorp Genetics (formerly Invitae), Labcorp
Classification: Uncertain significance. Last evaluated: 2024-11-19. Review status: criteria provided, single submitter. Criteria: Invitae Variant Classification Sherloc (09022015). Collection method: clinical testing. Allele origin: germline.
Comment: This sequence change replaces threonine, which is neutral and polar, with methionine, which is neutral and non-polar, at codon 209 of the ENPP1 protein (p.Thr209Met). This variant is present in population databases (rs187764662, gnomAD 0.04%). This variant has not been reported in the literature in individuals affected with ENPP1-related conditions. ClinVar contains an entry for this variant (Variation ID: 953229). Invitae Evidence Modeling of protein sequence and biophysical properties (such as structural, functional, and spatial information, amino acid conservation, physicochemical variation, residue mobility, and thermodynamic stability) indicates that this missense variant is not expected to disrupt ENPP1 protein function with a negative predictive value of 80%. In summary, the available evidence is currently insufficient to determine the role of this variant in disease. Therefore, it has been classified as a Variant of Uncertain Significance.

Fulgent Genetics
Classification: Uncertain significance for Type 2 diabetes mellitus; Arterial calcification, generalized, of infancy, 1; Inherited obesity; Hypophosphatemic rickets, autosomal recessive, 2; Hypopigmentation-punctate palmoplantar keratoderma syndrome. Last evaluated: 2024-04-11. Review status: criteria provided, single submitter. Criteria: ACMG Guidelines, 2015. Collection method: clinical testing. Allele origin: germline.